The following is an entry in ClinVar:

ClinVar aggregate classification (germline): Uncertain significance (1 of 4 stars; one submission).

Conditions:
MBL2-related disorder. Also called: MBL2-related condition.

Submission:

PreventionGenetics, part of Exact Sciences
Classification: Uncertain significance for MBL2-related condition. Last evaluated: 2026-03-07. Review status: criteria provided, single submitter. Criteria: ACMG Guidelines, 2015. Collection method: clinical testing. Allele origin: germline.
Comment: The MBL2 c.539delA variant is predicted to result in a frameshift and premature protein termination (p.Glu180Glyfs*19). To our knowledge, this variant has not been reported in the literature or in a large population database (gnomAD), indicating this variant is rare. Loss of function is not an established mechanism of MBL2-related disease. At this time, the clinical significance of this variant is uncertain due to the absence of conclusive functional and genetic evidence.

NM_001378373.1(MBL2):c.539del (p.Glu180fs)

Gene: MBL2 (mannose binding lectin 2; minus strand). Cytogenetic location: 10q21.1.
Variant type: Deletion.
Coding change: c.539del on transcript NM_001378373.1 (MANE Select); coding-DNA position 539, one base deleted (A; older notation c.539delA).
Protein change: p.Glu180fs; shifts the reading frame from glutamic acid 180.
Molecular consequence: frameshift variant.
Genome position (GRCh38, 1-based): chr10:52,768,345, T deleted on the plus strand (A on the coding strand, the reverse complement: MBL2 is on the minus strand). VCF-style (leftmost placement, unchanged base first): chr10-52768344-CT-C. GRCh37 (hg19) VCF-style: chr10-54528104-CT-C.
Other names: c.539del, p.Glu180fs (NM_000242.3, NM_001378374.1); short protein forms E180fs.
Identifiers: ClinVar variation 4993570 (VCV004993570.1).